The following is an entry in ClinVar:

ClinVar aggregate classification (germline): Conflicting classifications of pathogenicity. Review status: criteria provided, conflicting classifications (1 of 4 stars). 4 submissions from 4 submitters: Likely pathogenic (2); Uncertain significance (2). Last evaluated 2025-03-17.

Conditions:
ATP1A3-related disorder. Also called: ATP1A3-related condition; ATP1A3-related disorders. Identifiers: MedGen CN381097.
Dystonia 12 (DYT12). Also called: DYT-ATP1A3; Rapid-Onset Dystonia-Parkinsonism (RDP). Identifiers: Orphanet 71517, MedGen C1868681, MONDO:0007496, OMIM 128235.

Submissions (4):

Labcorp Genetics (formerly Invitae), Labcorp
Classification: Uncertain significance for Dystonia 12. Last evaluated: 2025-03-17. Review status: criteria provided, single submitter. Criteria: Invitae Variant Classification Sherloc (09022015). Collection method: clinical testing. Allele origin: germline.
Comment: This sequence change replaces proline, which is neutral and non-polar, with leucine, which is neutral and non-polar, at codon 190 of the ATP1A3 protein (p.Pro190Leu). This variant is not present in population databases (gnomAD no frequency). This variant has not been reported in the literature in individuals affected with ATP1A3-related conditions. ClinVar contains an entry for this variant (Variation ID: 808591). Invitae Evidence Modeling of protein sequence and biophysical properties (such as structural, functional, and spatial information, amino acid conservation, physicochemical variation, residue mobility, and thermodynamic stability) indicates that this missense variant is expected to disrupt ATP1A3 protein function with a positive predictive value of 95%. In summary, the available evidence is currently insufficient to determine the role of this variant in disease. Therefore, it has been classified as a Variant of Uncertain Significance.

Blueprint Genetics
Classification: Likely pathogenic for ATP1A3-related disorders. Last evaluated: 2023-03-01. Review status: criteria provided, single submitter. Criteria: ACMG Guidelines, 2015. Collection method: clinical testing. Allele origin: germline. Affected: yes. Observed: 1 variant allele.

AiLife Diagnostics
Classification: Likely pathogenic. Last evaluated: 2021-04-14. Review status: criteria provided, single submitter. Criteria: ACMG Guidelines, 2015. Collection method: clinical testing. Allele origin: de novo. Affected: yes. Observed: 1 variant allele.

CeGaT Center for Human Genetics Tuebingen
Classification: Uncertain significance. Last evaluated: 2018-02-01. Review status: criteria provided, single submitter. Criteria: CeGaT Center For Human Genetics Tuebingen Variant Classification Criteria Version 2. Collection method: clinical testing. Allele origin: germline. Affected: yes. Observed: 1 variant allele.

NM_152296.5(ATP1A3):c.569C>T (p.Pro190Leu)

Gene: ATP1A3 (ATPase Na+/K+ transporting subunit alpha 3; minus strand). Cytogenetic location: 19q13.2.
Variant type: single nucleotide variant.
Coding change: c.569C>T on transcript NM_152296.5 (MANE Select); coding-DNA position 569, C replaced by T.
Protein change: p.Pro190Leu; replaces proline 190 with leucine.
Molecular consequence: missense variant.
Genome position (GRCh38, 1-based): chr19:41,985,901, G>A on the plus strand (C>T on the coding strand, the complement: ATP1A3 is on the minus strand). VCF-style: chr19-41985901-G-A. GRCh37 (hg19) VCF-style: chr19-42490053-G-A.
Other names: c.602C>T, p.Pro201Leu (NM_001256213.2); c.608C>T, p.Pro203Leu (NM_001256214.2); short protein forms P190L, P203L, P201L.
Identifiers: ClinVar variation 808591 (VCV000808591.48), dbSNP rs1599723609, ClinGen allele CA406054351.